The following is an entry in ClinVar:

NM_018129.4(PNPO):c.363+249G>A

Gene: PNPO (pyridoxamine 5'-phosphate oxidase; plus strand). Cytogenetic location: 17q21.32.
Variant type: single nucleotide variant.
Coding change: c.363+249G>A on transcript NM_018129.4 (MANE Select); 249 bases into the intron after coding-DNA position 363, G replaced by A.
Molecular consequence: intron variant.
Genome position (GRCh38, 1-based): chr17:47,944,964, G>A. VCF-style: chr17-47944964-G-A. GRCh37 (hg19) VCF-style: chr17-46022330-G-A.
Identifiers: ClinVar variation 667950 (VCV000667950.1), dbSNP rs2325750, ClinGen allele CA15903955.

ClinVar aggregate classification (germline): Benign (1 of 4 stars; one submission).

Allele frequency attached by ClinVar (database versions not stated): gnomAD 0.62778 and 0.63678; TOPMed 0.64030; 1000 Genomes Project 30x 0.66537; 1000 Genomes Project 0.66973; gnomAD exomes 0.70188.
gnomAD v4.1: 379,137 of 554,660 alleles (68%); highest among the groups gnomAD compares: Admixed American, 80%; 131,804 homozygotes.

Submission:

GeneDx
Classification: Benign. Last evaluated: 2018-06-14. Review status: criteria provided, single submitter. Criteria: GeneDx Variant Classification (06012015). Collection method: clinical testing. Allele origin: germline. Affected: yes.
Comment: This variant is considered likely benign or benign based on one or more of the following criteria: it is a conservative change, it occurs at a poorly conserved position in the protein, it is predicted to be benign by multiple in silico algorithms, and/or has population frequency not consistent with disease.